The following is an entry in ClinVar:

ClinVar aggregate classification (germline): Uncertain significance (1 of 4 stars; one submission).

Conditions:
Tuberous sclerosis 2 (TSC2). Identifiers: Orphanet 805, MedGen C1860707, MONDO:0013199, OMIM 613254.

Submission:

Labcorp Genetics (formerly Invitae), Labcorp
Classification: Uncertain significance for Tuberous sclerosis 2. Last evaluated: 2019-11-06. Review status: criteria provided, single submitter. Criteria: Invitae Variant Classification Sherloc (09022015). Collection method: clinical testing. Allele origin: germline.
Comment: This variant is not present in population databases (ExAC no frequency). This sequence change replaces aspartic acid with glutamic acid at codon 1373 of the TSC2 protein (p.Asp1373Glu). The aspartic acid residue is weakly conserved and there is a small physicochemical difference between aspartic acid and glutamic acid. In summary, the available evidence is currently insufficient to determine the role of this variant in disease. Therefore, it has been classified as a Variant of Uncertain Significance. Algorithms developed to predict the effect of missense changes on protein structure and function output the following: SIFT: "Tolerated"; PolyPhen-2: "Benign"; Align-GVGD: "Class C0". The glutamic acid amino acid residue is found in multiple mammalian species, suggesting that this missense change does not adversely affect protein function. These predictions have not been confirmed by published functional studies and their clinical significance is uncertain. This variant has not been reported in the literature in individuals with TSC2-related conditions.

NM_000548.5(TSC2):c.4119C>G (p.Asp1373Glu)

Gene: TSC2 (TSC complex subunit 2; plus strand). Cytogenetic location: 16p13.3.
Variant type: single nucleotide variant.
Coding change: c.4119C>G on transcript NM_000548.5 (MANE Select); coding-DNA position 4119, C replaced by G.
Protein change: p.Asp1373Glu; replaces aspartic acid 1373 with glutamic acid.
Molecular consequence: missense variant.
Genome position (GRCh38, 1-based): chr16:2,084,341, C>G. VCF-style: chr16-2084341-C-G. GRCh37 (hg19) VCF-style: chr16-2134342-C-G.
Other names: c.3918C>G, p.Asp1306Glu (NM_001077183.3); c.4050C>G, p.Asp1350Glu (NM_001114382.3); c.3810C>G, p.Asp1270Glu (NM_001318827.2); c.3774C>G, p.Asp1258Glu (NM_001318829.2); c.3387C>G, p.Asp1129Glu (NM_001318831.2); c.3951C>G, p.Asp1317Glu (NM_001318832.2); c.3921C>G, p.Asp1307Glu (NM_001363528.2); c.3987C>G, p.Asp1329Glu (NM_001370404.1); and 1 more; short protein forms D1129E, D1258E, D1270E, D1306E, D1317E, D1329E, D1350E, D1373E.
Identifiers: ClinVar variation 961402 (VCV000961402.9), dbSNP rs2090494735, ClinGen allele CA394299548.